The following is an entry in ClinVar:

NM_145178.4(ATOH7):c.53del (p.Pro18fs)

Genes: ATOH7 (atonal bHLH transcription factor 7; minus strand), LOC130003943 (ATAC-STARR-seq lymphoblastoid silent region 2418; plus strand). Cytogenetic location: 10q21.3.
Variant type: Deletion.
Coding change: c.53del on transcript NM_145178.4 (MANE Select); coding-DNA position 53, one base deleted (C; older notation c.53delC).
Protein change: p.Pro18fs; shifts the reading frame from proline 18.
Molecular consequence: frameshift variant.
Genome position (GRCh38, 1-based): chr10:68,231,625, G deleted on the plus strand (C on the coding strand, the reverse complement: ATOH7 is on the minus strand); the first of 5 consecutive G bases (chr10:68,231,625-68,231,629); deleting any one gives the same sequence. VCF-style (leftmost placement, unchanged base first): chr10-68231624-CG-C. GRCh37 (hg19) VCF-style: chr10-69991381-CG-C.
Other names: short protein forms P18fs.
Identifiers: ClinVar variation 144066 (VCV000144066.10), dbSNP rs587777665, ClinGen allele CA170629.

ClinVar aggregate classification (germline): Uncertain significance. Review status: criteria provided, single submitter (1 of 4 stars). 2 submissions from 2 submitters: Uncertain significance (1). 1 of the submissions does not count toward it. Last evaluated 2022-08-20.

Conditions:
Persistent hyperplastic primary vitreous, autosomal recessive (PHPVAR). Also called: Retinal nonattachment and falciform detachment; Retinal nonattachment, nonsyndromic congenital; PERSISTENT FETAL VASCULATURE. Identifiers: Orphanet 91495, MedGen C1969783, MONDO:0009097, OMIM 221900.

Submissions (2):

Labcorp Genetics (formerly Invitae), Labcorp
Classification: Uncertain significance. Last evaluated: 2022-08-20. Review status: criteria provided, single submitter. Criteria: Invitae Variant Classification Sherloc (09022015). Collection method: clinical testing. Allele origin: germline.
Comment: This sequence change creates a premature translational stop signal (p.Pro18Argfs*69) in the ATOH7 gene. While this is not anticipated to result in nonsense mediated decay, it is expected to disrupt the last 135 amino acid(s) of the ATOH7 protein. In summary, the available evidence is currently insufficient to determine the role of this variant in disease. Therefore, it has been classified as a Variant of Uncertain Significance. Experimental studies and prediction algorithms are not available or were not evaluated, and the functional significance of this variant is currently unknown. ClinVar contains an entry for this variant (Variation ID: 144066). This premature translational stop signal has been observed in individual(s) with clinical features of persistent hyperplasia of the primary vitreous (PMID: 22068589). It has also been observed to segregate with disease in related individuals. This variant is present in population databases (rs587777665, gnomAD 0.006%).

OMIM
Classification: Pathogenic for PERSISTENT HYPERPLASTIC PRIMARY VITREOUS, AUTOSOMAL RECESSIVE. Last evaluated: 2012-02-15. Review status: no assertion criteria provided. Collection method: literature only. Allele origin: germline. Not counted in ClinVar's aggregate classification.

Literature cited by the submitters: PubMed 22068589 (cited by Labcorp Genetics (formerly Invitae), Labcorp and OMIM).